The following is an entry in ClinVar:

ClinVar aggregate classification (germline): Likely benign (0 of 4 stars; one submission).

Conditions:
OR52M1-related disorder. Also called: OR52M1-related condition.

Allele frequency attached by ClinVar (database versions not stated): gnomAD exomes 0.00008; ExAC 0.00025; ESP Exome Variant Server 0.00062; gnomAD 0.00062; TOPMed 0.00074; 1000 Genomes Project 30x 0.00078; 1000 Genomes Project 0.00100.
gnomAD v4.1: 220 of 1,613,402 alleles (0.014%); highest among the groups gnomAD compares: African/African-American, 0.22%; no homozygotes.

Submission:

PreventionGenetics, part of Exact Sciences
Classification: Likely benign for OR52M1-related condition. Last evaluated: 2022-10-27. Review status: no assertion criteria provided. Collection method: clinical testing. Allele origin: germline.
Comment: This variant is classified as likely benign based on ACMG/AMP sequence variant interpretation guidelines (Richards et al. 2015 PMID: 25741868, with internal and published modifications).

NM_001004137.1(OR52M1):c.458G>A (p.Arg153Gln)

Gene: OR52M1 (olfactory receptor family 52 subfamily M member 1; plus strand). Cytogenetic location: 11p15.4.
Variant type: single nucleotide variant.
Coding change: c.458G>A on transcript NM_001004137.1 (MANE Select); coding-DNA position 458, G replaced by A.
Protein change: p.Arg153Gln; replaces arginine 153 with glutamine.
Molecular consequence: missense variant.
Genome position (GRCh38, 1-based): chr11:4,545,648, G>A. VCF-style: chr11-4545648-G-A. GRCh37 (hg19) VCF-style: chr11-4566878-G-A.
Other names: short protein forms R153Q.
Identifiers: ClinVar variation 3040535 (VCV003040535.2), dbSNP rs138834789, ClinGen allele CA5832690.